The following is an entry in ClinVar:

NM_001242896.3(DEPDC5):c.1078A>G (p.Asn360Asp)

Gene: DEPDC5 (DEP domain containing 5, GATOR1 subcomplex subunit; plus strand). Cytogenetic location: 22q12.3.
Variant type: single nucleotide variant.
Coding change: c.1078A>G on transcript NM_001242896.3 (MANE Select); coding-DNA position 1078, A replaced by G.
Protein change: p.Asn360Asp; replaces asparagine 360 with aspartic acid.
Molecular consequence: missense variant. On other transcripts: non-coding transcript variant (5).
Genome position (GRCh38, 1-based): chr22:31,802,835, A>G. VCF-style: chr22-31802835-A-G. GRCh37 (hg19) VCF-style: chr22-32198821-A-G.
Other names: c.994A>G, p.Asn332Asp (NM_001369902.1, NM_001369901.1); c.1078A>G, p.Asn360Asp (NM_001369903.1, NM_014662.6, NM_001007188.4 and 7 more transcripts); short protein forms N332D, N360D.
Identifiers: ClinVar variation 1040986 (VCV001040986.12), dbSNP rs751948408, ClinGen allele CA10196209.

ClinVar aggregate classification (germline): Uncertain significance. Review status: criteria provided, multiple submitters, no conflicts (2 of 4 stars). 3 submissions from 3 submitters: Uncertain significance (3). Last evaluated 2025-08-22.

Conditions:
Familial focal epilepsy with variable foci (FPEVF). Identifiers: Orphanet 98820, MedGen C1858477, MONDO:0020310.
Inborn genetic diseases. Identifiers: MedGen C0950123, MeSH D030342.

Allele frequency attached by ClinVar (database versions not stated): ExAC 0.00001; gnomAD exomes 0.00001 and 0.00002; gnomAD 0.00002; TOPMed 0.00003.
gnomAD v4.1: 13 of 1,600,532 alleles (0.00081%); highest among the groups gnomAD compares: East Asian, 0.029%; no homozygotes.

Submissions (3):

Labcorp Genetics (formerly Invitae), Labcorp
Classification: Uncertain significance for Familial focal epilepsy with variable foci. Last evaluated: 2025-08-22. Review status: criteria provided, single submitter. Criteria: Invitae Variant Classification Sherloc (09022015). Collection method: clinical testing. Allele origin: germline.
Comment: This sequence change replaces asparagine, which is neutral and polar, with aspartic acid, which is acidic and polar, at codon 360 of the DEPDC5 protein (p.Asn360Asp). This variant is present in population databases (rs751948408, gnomAD 0.03%). This variant has not been reported in the literature in individuals affected with DEPDC5-related conditions. ClinVar contains an entry for this variant (Variation ID: 1040986). Experimental studies and prediction algorithms are not available or were not evaluated, and the functional significance of this variant is currently unknown. In summary, the available evidence is currently insufficient to determine the role of this variant in disease. Therefore, it has been classified as a Variant of Uncertain Significance.

GeneDx
Classification: Uncertain significance. Last evaluated: 2024-09-06. Review status: criteria provided, single submitter. Criteria: GeneDx Variant Classification Process June 2021. Collection method: clinical testing. Allele origin: germline. Affected: yes.
Comment: In silico analysis supports that this missense variant has a deleterious effect on protein structure/function; Has not been previously published as pathogenic or benign to our knowledge

Ambry Genetics
Classification: Uncertain significance for Inborn genetic diseases. Last evaluated: 2023-12-15. Review status: criteria provided, single submitter. Criteria: Ambry Variant Classification Scheme 2023. Collection method: clinical testing. Allele origin: germline.